The following is an entry in ClinVar:

NM_053025.4(MYLK):c.5120G>A (p.Arg1707His)

Genes: MYLK (myosin light chain kinase; minus strand), MYLK-AS1 (MYLK antisense RNA 1; plus strand). Cytogenetic location: 3q21.1.
Variant type: single nucleotide variant.
Coding change: c.5120G>A on transcript NM_053025.4 (MANE Select); coding-DNA position 5120, G replaced by A.
Protein change: p.Arg1707His; replaces arginine 1707 with histidine.
Molecular consequence: missense variant.
Genome position (GRCh38, 1-based): chr3:123,626,936, C>T on the plus strand (G>A on the coding strand, the complement: MYLK is on the minus strand). VCF-style: chr3-123626936-C-T. GRCh37 (hg19) VCF-style: chr3-123345783-C-T.
Other names: c.4592G>A, p.Arg1531His (NM_001321309.2); c.4913G>A, p.Arg1638His (NM_053026.4); c.4967G>A, p.Arg1656His (NM_053027.4); c.4760G>A, p.Arg1587His (NM_053028.4); short protein forms R1707H, R1531H, R1587H, R1656H, R1638H.
Identifiers: ClinVar variation 471733 (VCV000471733.16), dbSNP rs1328179065, ClinGen allele CA354233065.
Genomic context (GRCh38, chr3:123,626,936, plus strand): 5'-TCCATGTTCTTGGTATCTTTCATTAGCCATGGATGCTGAAGGCACTGCGTGCAGTCCAGG[C>T]GGTTTCTGACAGAGGCAGAGATCAGGAGATTTTTGAGCAGGAGGAGACCTCAGAGACCAC-3'
Protein context (NP_444253.3, residues 1697-1717): SNLLKKDMKN[Arg1707His]LDCTQCLQHP

ClinVar aggregate classification (germline): Uncertain significance. Review status: criteria provided, multiple submitters, no conflicts (2 of 4 stars). 5 submissions from 5 submitters: Uncertain significance (5). Last evaluated 2025-12-12.

Conditions:
Familial thoracic aortic aneurysm and aortic dissection (TAAD). Also called: Thoracic aortic aneurysms and dissections. Identifiers: Orphanet 91387, MedGen C4707243, MONDO:0019625.
Aortic aneurysm, familial thoracic 7 (AAT7). Also called: AORTIC DISSECTION, FAMILIAL, WITH OR WITHOUT AORTIC ANEURYSM. Identifiers: MedGen C3151077, MONDO:0013418, OMIM 613780.

Allele frequency attached by ClinVar (database versions not stated): gnomAD exomes below 0.00001.
gnomAD v4.1: 5 of 1,614,074 alleles (0.00031%); highest among the groups gnomAD compares: Non-Finnish European, 0.00042%; no homozygotes.

Submissions (5):

GeneDx
Classification: Uncertain significance. Last evaluated: 2025-12-12. Review status: criteria provided, single submitter. Criteria: GeneDx Variant Classification Process June 2021. Collection method: clinical testing. Allele origin: germline. Affected: yes.
Comment: Not observed at significant frequency in large population cohorts (gnomAD); In silico analysis supports that this missense variant has a deleterious effect on protein structure/function; Has not been previously published as pathogenic or benign to our knowledge

Ambry Genetics
Classification: Uncertain significance for Familial thoracic aortic aneurysm and aortic dissection. Last evaluated: 2024-01-22. Review status: criteria provided, single submitter. Criteria: Ambry Variant Classification Scheme 2023. Collection method: clinical testing. Allele origin: germline.
Comment: The p.R1707H variant (also known as c.5120G>A), located in coding exon 28 of the MYLK gene, results from a G to A substitution at nucleotide position 5120. The arginine at codon 1707 is replaced by histidine, an amino acid with highly similar properties. This amino acid position is highly conserved in available vertebrate species. In addition, this alteration is predicted to be deleterious by in silico analysis. Since supporting evidence is limited at this time, the clinical significance of this alteration remains unclear.

Blueprint Genetics
Classification: Uncertain significance. Last evaluated: 2024-01-22. Review status: criteria provided, single submitter. Criteria: ACMG Guidelines, 2015. Collection method: clinical testing. Allele origin: germline.

Labcorp Genetics (formerly Invitae), Labcorp
Classification: Uncertain significance for Aortic aneurysm, familial thoracic 7. Last evaluated: 2023-05-01. Review status: criteria provided, single submitter. Criteria: Invitae Variant Classification Sherloc (09022015). Collection method: clinical testing. Allele origin: germline.
Comment: This variant is present in population databases (no rsID available, gnomAD 0.0009%). In summary, the available evidence is currently insufficient to determine the role of this variant in disease. Therefore, it has been classified as a Variant of Uncertain Significance. Advanced modeling of protein sequence and biophysical properties (such as structural, functional, and spatial information, amino acid conservation, physicochemical variation, residue mobility, and thermodynamic stability) performed at Invitae indicates that this missense variant is not expected to disrupt MYLK protein function. ClinVar contains an entry for this variant (Variation ID: 471733). This variant has not been reported in the literature in individuals affected with MYLK-related conditions. This sequence change replaces arginine, which is basic and polar, with histidine, which is basic and polar, at codon 1707 of the MYLK protein (p.Arg1707His).

CHEO Genetics Diagnostic Laboratory, Children's Hospital of Eastern Ontario
Classification: Uncertain significance for Familial thoracic aortic aneurysm and aortic dissection. Last evaluated: 2020-06-05. Review status: criteria provided, single submitter. Criteria: ACMG Guidelines, 2015. Collection method: clinical testing. Allele origin: germline.